The following is an entry in ClinVar:

NM_004655.4(AXIN2):c.1919C>T (p.Thr640Ile)

Gene: AXIN2 (axin 2; minus strand). Cytogenetic location: 17q24.1.
Variant type: single nucleotide variant.
Coding change: c.1919C>T on transcript NM_004655.4 (MANE Select); coding-DNA position 1919, C replaced by T.
Protein change: p.Thr640Ile; replaces threonine 640 with isoleucine.
Molecular consequence: missense variant.
Genome position (GRCh38, 1-based): chr17:65,536,542, G>A on the plus strand (C>T on the coding strand, the complement: AXIN2 is on the minus strand). VCF-style: chr17-65536542-G-A. GRCh37 (hg19) VCF-style: chr17-63532660-G-A.
Other names: c.1724C>T, p.Thr575Ile (NM_001363813.1); short protein forms T575I, T640I.
Identifiers: ClinVar variation 863891 (VCV000863891.14), dbSNP rs1332790715, ClinGen allele CA400676335.
Genomic context (GRCh38, chr17:65,536,542, plus strand): 5'-TGCCGGCTGGCTCGTTCGCCTGGAGACGAGCGGGCAGACTCCAAGGGGTAGGCCTTTTTT[G>A]TGCTTTGGGCACTAAACAAGGAATGAGCAGAGAGAAAACAGAAGGAAAGAAACTGGGTTA-3'
Protein context (NP_004646.3, residues 630-650): SKPKPHSAQS[Thr640Ile]KKAYPLESAR

ClinVar aggregate classification (germline): Conflicting classifications of pathogenicity. Review status: criteria provided, conflicting classifications (1 of 4 stars). 4 submissions from 4 submitters: Uncertain significance (3); Likely benign (1). Last evaluated 2024-12-21.

Conditions:
Oligodontia-cancer predisposition syndrome. Also called: TOOTH AGENESIS-COLORECTAL CANCER SYNDROME. Identifiers: Orphanet 300576, MedGen C1837750, MONDO:0012075, OMIM 608615. Disease mechanism: loss of function.
Hereditary cancer-predisposing syndrome. Also called: Hereditary Cancer Syndrome; Tumor predisposition; Neoplastic Syndromes, Hereditary; Hereditary neoplastic syndrome. Identifiers: Orphanet 140162, MedGen C0027672, MeSH D009386, MONDO:0015356.
Colorectal cancer. Also called: Colorectal cancer, somatic; Malignant Colorectal Neoplasm. Identifiers: MedGen C0346629, MONDO:0005575, OMIM 114500.

Allele frequency attached by ClinVar (database versions not stated): gnomAD exomes below 0.00001.
gnomAD v4.1: 4 of 1,613,674 alleles (0.00025%); highest among the groups gnomAD compares: Non-Finnish European, 0.00025%; no homozygotes.

Submissions (4):

GeneDx
Classification: Uncertain significance. Last evaluated: 2024-12-21. Review status: criteria provided, single submitter. Criteria: GeneDx Variant Classification Process June 2021. Collection method: clinical testing. Allele origin: germline. Affected: yes.
Comment: Not observed at significant frequency in large population cohorts (gnomAD); In silico analysis indicates that this missense variant does not alter protein structure/function; Has not been previously published as pathogenic or benign to our knowledge; This variant is associated with the following publications: (PMID: 15735151)

Ambry Genetics
Classification: Likely benign for Hereditary cancer-predisposing syndrome. Last evaluated: 2024-02-16. Review status: criteria provided, single submitter. Criteria: Ambry Variant Classification Scheme 2023. Collection method: clinical testing. Allele origin: germline.

Labcorp Genetics (formerly Invitae), Labcorp
Classification: Uncertain significance for Oligodontia-cancer predisposition syndrome. Last evaluated: 2023-11-18. Review status: criteria provided, single submitter. Criteria: Invitae Variant Classification Sherloc (09022015). Collection method: clinical testing. Allele origin: germline.
Comment: This sequence change replaces threonine, which is neutral and polar, with isoleucine, which is neutral and non-polar, at codon 640 of the AXIN2 protein (p.Thr640Ile). This variant is present in population databases (no rsID available, gnomAD 0.0009%). This variant has not been reported in the literature in individuals affected with AXIN2-related conditions. ClinVar contains an entry for this variant (Variation ID: 863891). Advanced modeling of protein sequence and biophysical properties (such as structural, functional, and spatial information, amino acid conservation, physicochemical variation, residue mobility, and thermodynamic stability) performed at Invitae indicates that this missense variant is not expected to disrupt AXIN2 protein function with a negative predictive value of 80%. In summary, the available evidence is currently insufficient to determine the role of this variant in disease. Therefore, it has been classified as a Variant of Uncertain Significance.

Baylor Genetics
Classification: Uncertain significance for Colorectal cancer. Last evaluated: 2023-11-12. Review status: criteria provided, single submitter. Criteria: ACMG Guidelines, 2015. Collection method: clinical testing. Allele origin: unknown.